The following is an entry in ClinVar:

ClinVar aggregate classification (germline): Uncertain significance (1 of 4 stars; one submission).

Conditions:
Oligodontia-cancer predisposition syndrome. Also called: TOOTH AGENESIS-COLORECTAL CANCER SYNDROME. Identifiers: Orphanet 300576, MedGen C1837750, MONDO:0012075, OMIM 608615. Disease mechanism: loss of function.

Submission:

Labcorp Genetics (formerly Invitae), Labcorp
Classification: Uncertain significance for Oligodontia-cancer predisposition syndrome. Last evaluated: 2025-11-10. Review status: criteria provided, single submitter. Criteria: Invitae Variant Classification Sherloc (09022015). Collection method: clinical testing. Allele origin: germline.
Comment: This sequence change replaces cysteine, which is neutral and slightly polar, with glycine, which is neutral and non-polar, at codon 497 of the AXIN2 protein (p.Cys497Gly). This variant is not present in population databases (gnomAD no frequency). This variant has not been reported in the literature in individuals affected with AXIN2-related conditions. An algorithm developed to predict the effect of missense changes on protein structure and function (PolyPhen-2) suggests that this variant is likely to be tolerated. In summary, the available evidence is currently insufficient to determine the role of this variant in disease. Therefore, it has been classified as a Variant of Uncertain Significance.

NM_004655.4(AXIN2):c.1489T>G (p.Cys497Gly)

Gene: AXIN2 (axin 2; minus strand). Cytogenetic location: 17q24.1.
Variant type: single nucleotide variant.
Coding change: c.1489T>G on transcript NM_004655.4 (MANE Select); coding-DNA position 1489, T replaced by G.
Protein change: p.Cys497Gly; replaces cysteine 497 with glycine.
Molecular consequence: missense variant.
Genome position (GRCh38, 1-based): chr17:65,537,547, A>C on the plus strand (T>G on the coding strand, the complement: AXIN2 is on the minus strand). VCF-style: chr17-65537547-A-C. GRCh37 (hg19) VCF-style: chr17-63533665-A-C.
Other names: c.1489T>G, p.Cys497Gly (NM_001363813.1); short protein forms C497G.
Identifiers: ClinVar variation 4730867 (VCV004730867.1).